The following is an entry in ClinVar:

ClinVar aggregate classification (germline): Uncertain significance (1 of 4 stars; one submission).

Submission:

Labcorp Genetics (formerly Invitae), Labcorp
Classification: Uncertain significance. Last evaluated: 2022-06-27. Review status: criteria provided, single submitter. Criteria: Invitae Variant Classification Sherloc (09022015). Collection method: clinical testing. Allele origin: germline.
Comment: This sequence change replaces proline, which is neutral and non-polar, with leucine, which is neutral and non-polar, at codon 209 of the POLR3A protein (p.Pro209Leu). In summary, the available evidence is currently insufficient to determine the role of this variant in disease. Therefore, it has been classified as a Variant of Uncertain Significance. Algorithms developed to predict the effect of missense changes on protein structure and function (SIFT, PolyPhen-2, Align-GVGD) all suggest that this variant is likely to be tolerated. This variant has not been reported in the literature in individuals affected with POLR3A-related conditions. This variant is not present in population databases (gnomAD no frequency).

NM_007055.4(POLR3A):c.626C>T (p.Pro209Leu)

Gene: POLR3A (RNA polymerase III subunit A; minus strand). Cytogenetic location: 10q22.3.
Variant type: single nucleotide variant.
Coding change: c.626C>T on transcript NM_007055.4 (MANE Select); coding-DNA position 626, C replaced by T.
Protein change: p.Pro209Leu; replaces proline 209 with leucine.
Molecular consequence: missense variant.
Genome position (GRCh38, 1-based): chr10:78,024,568, G>A on the plus strand (C>T on the coding strand, the complement: POLR3A is on the minus strand). VCF-style: chr10-78024568-G-A. GRCh37 (hg19) VCF-style: chr10-79784326-G-A.
Other names: short protein forms P209L.
Identifiers: ClinVar variation 1389704 (VCV001389704.6), dbSNP rs2131960623, ClinGen allele CA377345966.